The following is an entry in ClinVar:

ClinVar aggregate classification (germline): Likely benign. Review status: criteria provided, multiple submitters, no conflicts (2 of 4 stars). 2 submissions from 2 submitters: Likely benign (2). Last evaluated 2026-01-01.

Conditions:
Inborn genetic diseases. Identifiers: MedGen C0950123, MeSH D030342.

Allele frequency attached by ClinVar (database versions not stated): ESP Exome Variant Server 0.00008; ExAC 0.00015; gnomAD exomes 0.00006; TOPMed 0.00006; gnomAD 0.00007.
gnomAD v4.1: 45 of 1,612,228 alleles (0.0028%); highest among the groups gnomAD compares: Admixed American, 0.052%; no homozygotes.

Submissions (2):

CeGaT Center for Human Genetics Tuebingen
Classification: Likely benign. Last evaluated: 2026-01-01. Review status: criteria provided, single submitter. Criteria: CeGaT Center For Human Genetics Tuebingen Variant Classification Criteria Version 2. Collection method: clinical testing. Allele origin: germline. Affected: yes. Observed: 1 variant allele.
Comment: MED13: BP4

Ambry Genetics
Classification: Likely benign for Inborn genetic diseases. Last evaluated: 2023-02-06. Review status: criteria provided, single submitter. Criteria: Ambry Variant Classification Scheme 2023. Collection method: clinical testing. Allele origin: germline.

NM_005121.3(MED13):c.6112G>A (p.Gly2038Ser)

Gene: MED13 (mediator complex subunit 13; minus strand). Cytogenetic location: 17q23.2.
Variant type: single nucleotide variant.
Coding change: c.6112G>A on transcript NM_005121.3 (MANE Select); coding-DNA position 6112, G replaced by A.
Protein change: p.Gly2038Ser; replaces glycine 2038 with serine.
Molecular consequence: missense variant.
Genome position (GRCh38, 1-based): chr17:61,952,970, C>T on the plus strand (G>A on the coding strand, the complement: MED13 is on the minus strand). VCF-style: chr17-61952970-C-T. GRCh37 (hg19) VCF-style: chr17-60030331-C-T.
Other names: short protein forms G2038S.
Identifiers: ClinVar variation 2461993 (VCV002461993.6), dbSNP rs377733005, ClinGen allele CA8691995.